The following is an entry in ClinVar:

NM_001111.5(ADAR):c.1946G>A (p.Cys649Tyr)

Gene: ADAR (adenosine deaminase RNA specific; minus strand). Cytogenetic location: 1q21.3.
Variant type: single nucleotide variant.
Coding change: c.1946G>A on transcript NM_001111.5 (MANE Select); coding-DNA position 1946, G replaced by A.
Protein change: p.Cys649Tyr; replaces cysteine 649 with tyrosine.
Molecular consequence: missense variant.
Genome position (GRCh38, 1-based): chr1:154,597,256, C>T on the plus strand (G>A on the coding strand, the complement: ADAR is on the minus strand). VCF-style: chr1-154597256-C-T. GRCh37 (hg19) VCF-style: chr1-154569732-C-T.
Other names: c.1061G>A, p.Cys354Tyr (NM_001025107.3, NM_001193495.2, NM_001365046.1 and 3 more transcripts); c.1973G>A, p.Cys658Tyr (NM_001365045.1); c.1946G>A, p.Cys649Tyr (NM_015840.4, NM_015841.4); short protein forms C354Y, C649Y, C658Y.
Identifiers: ClinVar variation 2930881 (VCV002930881.3), dbSNP rs2526596818, ClinGen allele CA342638373.

ClinVar aggregate classification (germline): Uncertain significance (1 of 4 stars; one submission).

Conditions:
Symmetrical dyschromatosis of extremities (DSH). Also called: DYSCHROMATOSIS SYMMETRICA HEREDITARIA 1; RETICULATE ACROPIGMENTATION OF DOHI; SYMMETRIC DYSCHROMATOSIS OF THE EXTREMITIES; Dyschromatosis symmetrica hereditaria. Identifiers: Orphanet 41, MedGen C0406775, MONDO:0007483, OMIM 127400.
Aicardi-Goutieres syndrome 6 (AGS6). Identifiers: Orphanet 51, MedGen C3539013, MONDO:0014007, OMIM 615010.

Allele frequency attached by ClinVar (database versions not stated): gnomAD exomes below 0.00001.
gnomAD v4.1: 1 of 1,614,174 alleles (0.000062%); highest among the groups gnomAD compares: Non-Finnish European, 0.000085%; no homozygotes.

Submission:

Labcorp Genetics (formerly Invitae), Labcorp
Classification: Uncertain significance for Aicardi-Goutieres syndrome 6; Symmetrical dyschromatosis of extremities. Last evaluated: 2023-04-06. Review status: criteria provided, single submitter. Criteria: Invitae Variant Classification Sherloc (09022015). Collection method: clinical testing. Allele origin: germline.
Comment: This variant is not present in population databases (gnomAD no frequency). This sequence change replaces cysteine, which is neutral and slightly polar, with tyrosine, which is neutral and polar, at codon 649 of the ADAR protein (p.Cys649Tyr). This variant has not been reported in the literature in individuals affected with ADAR-related conditions. Advanced modeling of protein sequence and biophysical properties (such as structural, functional, and spatial information, amino acid conservation, physicochemical variation, residue mobility, and thermodynamic stability) performed at Invitae indicates that this missense variant is not expected to disrupt ADAR protein function. In summary, the available evidence is currently insufficient to determine the role of this variant in disease. Therefore, it has been classified as a Variant of Uncertain Significance.